The following is an entry in ClinVar:

Conditions:
Breast-ovarian cancer, familial, susceptibility to, 1 (BROVCA1). Also called: BRCA1 Hereditary Breast and Ovarian Cancer; OVARIAN CANCER, SUSCEPTIBILITY TO. Identifiers: Orphanet 145, MedGen C2676676, MONDO:0011450, OMIM 604370. Disease mechanism: loss of function.

Submission:

Brotman Baty Institute, University of Washington
No classification provided (evidence only). Condition: Breast-ovarian cancer, familial 1. Review status: no classification provided. Collection method: in vitro. Allele origin: not applicable. Functional consequence: functionally_normal.
ClinVar note: "not provided" was previously submitted as the classification for the variant. However, the classification appeared to be based only on an observation of functional data so it was converted to no classification on 2025-07-30.

NM_007294.4(BRCA1):c.5459G>A (p.Gly1820Asp)

Gene: BRCA1 (BRCA1 DNA repair associated; minus strand). Cytogenetic location: 17q21.31.
Variant type: single nucleotide variant.
Coding change: c.5459G>A on transcript NM_007294.4 (MANE Select); coding-DNA position 5459, G replaced by A.
Protein change: p.Gly1820Asp; replaces glycine 1820 with aspartic acid.
Molecular consequence: missense variant. On other transcripts: nonsense (17), non-coding transcript variant (1).
Genome position (GRCh38, 1-based): chr17:43,047,651, C>T on the plus strand (G>A on the coding strand, the complement: BRCA1 is on the minus strand). VCF-style: chr17-43047651-C-T. GRCh37 (hg19) VCF-style: chr17-41199668-C-T.
Other names: c.5246G>A, p.Gly1749Asp (NM_001407571.1, NM_001407907.1, NM_001407908.1 and 12 more transcripts); c.5525G>A, p.Gly1842Asp (NM_001407581.1, NM_001407582.1); c.5522G>A, p.Gly1841Asp (NM_001407583.1, NM_001407585.1, NM_001407587.1 and 1 more transcripts); c.5519G>A, p.Gly1840Asp (NM_001407590.1, NM_001407591.1); c.5459G>A, p.Gly1820Asp (NM_001407593.1, NM_001407594.1, NM_001407596.1 and 5 more transcripts); c.5456G>A, p.Gly1819Asp (NM_001407614.1, NM_001407615.1, NM_001407616.1 and 14 more transcripts); c.5453G>A, p.Gly1818Asp (NM_001407633.1, NM_001407634.1, NM_001407635.1 and 13 more transcripts); c.5381G>A, p.Gly1794Asp (NM_001407655.1, NM_001407652.1, NM_001407653.1 and 1 more transcripts); and 83 more; short protein forms G1820D, G1773D, G1841D, G716D, W691*, G1691D, G1707D, G1709D.
Identifiers: ClinVar variation 865544 (VCV000865544.3), dbSNP rs2050978714, ClinGen allele CA10590455.